The following is an entry in ClinVar:

ClinVar aggregate classification (germline): Likely pathogenic (1 of 4 stars; one submission).

Allele frequency attached by ClinVar (database versions not stated): gnomAD exomes below 0.00001.
gnomAD v4.1: 1 of 1,567,788 alleles (0.000064%); highest among the groups gnomAD compares: Non-Finnish European, 0.000088%; no homozygotes.

Submission:

Labcorp Genetics (formerly Invitae), Labcorp
Classification: Likely pathogenic. Last evaluated: 2023-03-07. Review status: criteria provided, single submitter. Criteria: Invitae Variant Classification Sherloc (09022015). Collection method: clinical testing. Allele origin: germline.
Comment: This sequence change affects a donor splice site in intron 5 of the EYS gene. It is expected to disrupt RNA splicing. Variants that disrupt the donor or acceptor splice site typically lead to a loss of protein function (PMID: 16199547), and loss-of-function variants in EYS are known to be pathogenic (PMID: 18836446, 20333770). This variant is not present in population databases (gnomAD no frequency). This variant has not been reported in the literature in individuals affected with EYS-related conditions. Algorithms developed to predict the effect of sequence changes on RNA splicing suggest that this variant may disrupt the consensus splice site. In summary, the currently available evidence indicates that the variant is pathogenic, but additional data are needed to prove that conclusively. Therefore, this variant has been classified as Likely Pathogenic.

Literature cited by the submitters: PubMed 16199547; PubMed 18836446; PubMed 20333770.

NM_001142800.2(EYS):c.862+1G>A

Gene: EYS (EGF-like photoreceptor maintenance factor; minus strand). Cytogenetic location: 6q12.
Variant type: single nucleotide variant.
Coding change: c.862+1G>A on transcript NM_001142800.2 (MANE Select); the canonical splice donor site of the intron after coding-DNA position 862, G replaced by A.
Molecular consequence: splice donor variant.
Genome position (GRCh38, 1-based): chr6:65,490,593, C>T on the plus strand (G>A on the coding strand, the complement: EYS is on the minus strand). VCF-style: chr6-65490593-C-T. GRCh37 (hg19) VCF-style: chr6-66200486-C-T.
Other names: c.862+1G>A (NM_001292009.2, NM_001142801.2, NM_198283.2).
Identifiers: ClinVar variation 2776870 (VCV002776870.3), dbSNP rs926930860, ClinGen allele CA364788945.